The following is an entry in ClinVar:

ClinVar aggregate classification (germline): Pathogenic (1 of 4 stars; one submission).

Allele frequency attached by ClinVar (database versions not stated): gnomAD exomes below 0.00001.
gnomAD v4.1: 1 of 1,614,164 alleles (0.000062%); highest among the groups gnomAD compares: Non-Finnish European, 0.000085%; no homozygotes.

Submission:

Labcorp Genetics (formerly Invitae), Labcorp
Classification: Pathogenic. Last evaluated: 2023-11-27. Review status: criteria provided, single submitter. Criteria: Invitae Variant Classification Sherloc (09022015). Collection method: clinical testing. Allele origin: germline.
Comment: This sequence change creates a premature translational stop signal (p.Trp1003*) in the ABCC2 gene. It is expected to result in an absent or disrupted protein product. Loss-of-function variants in ABCC2 are known to be pathogenic (PMID: 9185779, 16549534, 16952291). This variant is not present in population databases (gnomAD no frequency). This variant has not been reported in the literature in individuals affected with ABCC2-related conditions. Algorithms developed to predict the effect of sequence changes on RNA splicing suggest that this variant may disrupt the consensus splice site. For these reasons, this variant has been classified as Pathogenic.

Literature cited by the submitters: PubMed 9185779; PubMed 16549534; PubMed 16952291.

NM_000392.5(ABCC2):c.3009G>A (p.Trp1003Ter)

Gene: ABCC2 (ATP binding cassette subfamily C member 2; plus strand). Cytogenetic location: 10q24.2.
Variant type: single nucleotide variant.
Coding change: c.3009G>A on transcript NM_000392.5 (MANE Select); coding-DNA position 3009, G replaced by A.
Protein change: p.Trp1003Ter; replaces tryptophan 1003 with a stop codon.
Molecular consequence: nonsense.
Genome position (GRCh38, 1-based): chr10:99,831,736, G>A. VCF-style: chr10-99831736-G-A. GRCh37 (hg19) VCF-style: chr10-101591493-G-A.
Other names: short protein forms W1003*.
Identifiers: ClinVar variation 2791393 (VCV002791393.3), dbSNP rs1564695476, ClinGen allele CA378121696.